The following is an entry in ClinVar:

ClinVar aggregate classification (germline): Conflicting classifications of pathogenicity. Review status: criteria provided, conflicting classifications (1 of 4 stars). 14 submissions from 13 submitters: Uncertain significance (4); Likely benign (3). 7 of the submissions do not count toward it. Last evaluated 2026-06-01.

Conditions:
HESX1-related disorder. Also called: HESX1-related condition.
GROWTH HORMONE DEFICIENCY WITH PITUITARY ANOMALIES. Identifiers: MedGen C2750027, OMIM 182230.
Septo-optic dysplasia sequence (SOD). Also called: DE MORSIER SYNDROME; Septo-optic dysplasia. Identifiers: Orphanet 3157, MedGen C0338503, MONDO:0008428, OMIM 182230, HP:0100842.
Inborn genetic diseases. Identifiers: MedGen C0950123, MeSH D030342.
Pituitary hormone deficiency, combined, 1 (CPHD1). Also called: Pituitary hormone deficiency, combined or isolated, 1. Identifiers: MedGen C2751608, MONDO:0024464, OMIM 613038.
Amenorrhea. Identifiers: MedGen C0002453, MONDO:0001836, HP:0000141.

Allele frequency attached by ClinVar (database versions not stated): 1000 Genomes Project 30x 0.00047; 1000 Genomes Project 0.00060; gnomAD 0.00064 and 0.00066; TOPMed 0.00079; ExAC 0.00080; gnomAD exomes 0.00081 and 0.00097; ESP Exome Variant Server 0.00131.

Submissions (14):

CeGaT Center for Human Genetics Tuebingen
Classification: Likely benign. Last evaluated: 2026-06-01. Review status: criteria provided, single submitter. Criteria: CeGaT Center For Human Genetics Tuebingen Variant Classification Criteria Version 2. Collection method: clinical testing. Allele origin: germline. Affected: yes. Observed: 2 variant alleles.
Comment: HESX1: BS1

Women's Health and Genetics/Laboratory Corporation of America, LabCorp
Classification: Uncertain significance. Last evaluated: 2026-04-21. Review status: criteria provided, single submitter. Criteria: LabCorp Variant Classification Summary - May 2015. Collection method: clinical testing. Allele origin: germline.
Comment: Variant summary: HESX1 c.385G>A (p.Val129Ile) results in a conservative amino acid change in the encoded protein sequence. Algorithms developed to predict the effect of missense changes on protein structure and function are either unavailable or do not agree on the potential impact of this missense change. The variant allele was found at a frequency of 0.00081 in 249392 control chromosomes. This frequency is not significantly higher than estimated for disease-causing variants in HESX1, allowing no conclusion about variant significance. c.385G>A has been observed in individuals affected with HESX1-Related Disorders, as well as in control individuals (example: Delaney_2021, Federici_2022, Globa_2022, Vivenza_2011, Newbern_2013, Cangiano_2019). These reports do not provide unequivocal conclusions about association of the variant with HESX1-Related Disorders. To our knowledge, no experimental evidence demonstrating an impact on protein function has been reported. The following publications have been ascertained in the context of this evaluation (PMID: 30669598, 32870266, 36531499, 35432193, 23465708, 21325470). ClinVar contains an entry for this variant (Variation ID: 267733). Based on the evidence outlined above, the variant was classified as uncertain significance.

Labcorp Genetics (formerly Invitae), Labcorp
Classification: Uncertain significance for GROWTH HORMONE DEFICIENCY WITH PITUITARY ANOMALIES; Septo-optic dysplasia sequence. Last evaluated: 2025-11-04. Review status: criteria provided, single submitter. Criteria: Invitae Variant Classification Sherloc (09022015). Collection method: clinical testing. Allele origin: germline.
Comment: This sequence change replaces valine, which is neutral and non-polar, with isoleucine, which is neutral and non-polar, at codon 129 of the HESX1 protein (p.Val129Ile). This variant is present in population databases (rs143057250, gnomAD 0.2%), and has an allele count higher than expected for a pathogenic variant. This missense change has been observed in individual(s) with clinical features of HESX1-related conditions (PMID: 36531499). ClinVar contains an entry for this variant (Variation ID: 267733). An algorithm developed to predict the effect of missense changes on protein structure and function outputs the following: PolyPhen-2: "Benign". The isoleucine amino acid residue is found in multiple mammalian species, which suggests that this missense change does not adversely affect protein function. In summary, the available evidence is currently insufficient to determine the role of this variant in disease. Therefore, it has been classified as a Variant of Uncertain Significance.

Ambry Genetics
Classification: Likely benign for Inborn genetic diseases. Last evaluated: 2024-12-24. Review status: criteria provided, single submitter. Criteria: Ambry Variant Classification Scheme 2023. Collection method: clinical testing. Allele origin: germline.

Fulgent Genetics
Classification: Uncertain significance for Septo-optic dysplasia sequence. Last evaluated: 2018-10-31. Review status: criteria provided, single submitter. Criteria: ACMG Guidelines, 2015. Collection method: clinical testing. Allele origin: unknown.

Illumina Laboratory Services, Illumina
Classification: Likely benign for Septo-optic dysplasia sequence. Last evaluated: 2017-04-27. Review status: criteria provided, single submitter. Criteria: ICSL Variant Classification Criteria 13 December 2019. Collection method: clinical testing. Allele origin: germline.
Comment: This variant was observed as part of a predisposition screen in an ostensibly healthy population. A literature search was performed for the gene, cDNA change, and amino acid change (where applicable). Publications were found based on this search. The evidence from the literature, in combination with allele frequency data from public databases where available, was sufficient to determine this variant is unlikely to cause disease. Therefore, this variant is classified as likely benign.

Eurofins Ntd Llc (ga)
Classification: Uncertain significance. Last evaluated: 2017-02-15. Review status: criteria provided, single submitter. Criteria: EGL Classification Definitions 2015. Collection method: clinical testing. Allele origin: germline. Observed: 2 variant alleles, 2 heterozygotes.

PreventionGenetics, part of Exact Sciences
Classification: Likely benign for HESX1-related condition. Last evaluated: 2022-05-12. Review status: no assertion criteria provided. Collection method: clinical testing. Allele origin: germline. Not counted in ClinVar's aggregate classification.
Comment: This variant is classified as likely benign based on ACMG/AMP sequence variant interpretation guidelines (Richards et al. 2015 PMID: 25741868, with internal and published modifications).

Yale Center for Mendelian Genomics, Yale University
Classification: Uncertain significance for Amenorrhea. Last evaluated: 2021-03-08. Review status: no assertion criteria provided. Collection method: literature only. Allele origin: unknown. Affected: yes. Observed: 1 heterozygote. Study: Yale Center for Mendelian Genomics. Not counted in ClinVar's aggregate classification.

Hehr Laboratory, Center for Human Genetics Regensburg
Classification: Uncertain significance for Septo-optic dysplasia sequence. Last evaluated: 2016-09-05. Review status: no assertion criteria provided. Collection method: clinical testing. Allele origin: paternal. Observed: 2 variant alleles. Not counted in ClinVar's aggregate classification.

Clinical Molecular Genetics Laboratory, Johns Hopkins All Children's Hospital
Classification: Uncertain significance for Septo-optic dysplasia sequence. Last evaluated: 2009-04-28. Review status: no assertion criteria provided. Collection method: clinical testing. Allele origin: germline. Affected: yes. Not counted in ClinVar's aggregate classification.

Clinical Molecular Genetics Laboratory, Johns Hopkins All Children's Hospital
Classification: Uncertain significance for Pituitary hormone deficiency, combined, 1. Last evaluated: 2009-04-28. Review status: no assertion criteria provided. Collection method: clinical testing. Allele origin: germline. Affected: yes. Not counted in ClinVar's aggregate classification.

Clinical Genetics, Academic Medical Center
Classification: Likely benign. Review status: no assertion criteria provided. Collection method: clinical testing. Allele origin: germline. Affected: yes. Study: VKGL Data-share Consensus. Not counted in ClinVar's aggregate classification.

Laboratory of Diagnostic Genome Analysis, Leiden University Medical Center (LUMC)
Classification: Likely benign. Review status: no assertion criteria provided. Collection method: clinical testing. Allele origin: germline. Affected: yes. Study: VKGL Data-share Consensus. Not counted in ClinVar's aggregate classification.

Literature cited by the submitters: PubMed 35432193 (cited by Women's Health and Genetics/Laboratory Corporation of America, LabCorp); PubMed 32870266 (cited by Women's Health and Genetics/Laboratory Corporation of America, LabCorp and Yale Center for Mendelian Genomics, Yale University); PubMed 30669598 (cited by Women's Health and Genetics/Laboratory Corporation of America, LabCorp); PubMed 36531499 (cited by Women's Health and Genetics/Laboratory Corporation of America, LabCorp and Labcorp Genetics (formerly Invitae), Labcorp); PubMed 23465708 (cited by Women's Health and Genetics/Laboratory Corporation of America, LabCorp and Illumina Laboratory Services, Illumina); PubMed 21325470 (cited by Women's Health and Genetics/Laboratory Corporation of America, LabCorp and Illumina Laboratory Services, Illumina); PubMed 24703149 (cited by Illumina Laboratory Services, Illumina).

NM_003865.3(HESX1):c.385G>A (p.Val129Ile)

Gene: HESX1 (HESX homeobox 1; minus strand). Cytogenetic location: 3p14.3.
Variant type: single nucleotide variant.
Coding change: c.385G>A on transcript NM_003865.3 (MANE Select); coding-DNA position 385, G replaced by A.
Protein change: p.Val129Ile; replaces valine 129 with isoleucine.
Molecular consequence: missense variant.
Genome position (GRCh38, 1-based): chr3:57,198,465, C>T on the plus strand (G>A on the coding strand, the complement: HESX1 is on the minus strand). VCF-style: chr3-57198465-C-T. GRCh37 (hg19) VCF-style: chr3-57232493-C-T.
Other names: short protein forms V129I.
Identifiers: ClinVar variation 267733 (VCV000267733.65), dbSNP rs143057250, ClinGen allele CA2463250.